The following is an entry in ClinVar:

ClinVar aggregate classification (germline): Benign. Review status: criteria provided, multiple submitters, no conflicts (2 of 4 stars). 13 submissions from 10 submitters: Benign (11). 2 of the submissions do not count toward it. Last evaluated 2026-02-04.

Conditions:
Cutis laxa, autosomal dominant 3 (ADCL3). Identifiers: Orphanet 90348, MedGen C4225268, MONDO:0014706, OMIM 616603.
Hereditary spastic paraplegia 9A. Also called: CATARACTS WITH MOTOR NEURONOPATHY, SHORT STATURE, AND SKELETAL ABNORMALITIES; SPASTIC PARAPLEGIA 9A, AUTOSOMAL DOMINANT; SPASTIC PARAPARESIS WITH AMYOTROPHY, CATARACTS, AND GASTROESOPHAGEAL REFLUX. Identifiers: Orphanet 100990, Orphanet 447753, MedGen C5568978, MONDO:0011006, OMIM 601162.
Autosomal recessive complex spastic paraplegia type 9B. Also called: Spastic paraplegia 9b, autosomal recessive. Identifiers: Orphanet 447760, MedGen C5568980, MONDO:0014702, OMIM 616586.
Autosomal dominant spastic paraplegia type 9. Identifiers: MedGen C1832669, MONDO:0015091.
de Barsy syndrome. Also called: Cutis laxa-corneal clouding-oligophrenia syndrome. Identifiers: Orphanet 2962, MedGen C0268354, MONDO:0017569.
ALDH18A1-related de Barsy syndrome. Also called: Cutis laxa, autosomal recessive IIIA; DE BARSY SYNDROME A. Identifiers: Orphanet 2962, Orphanet 35664, MedGen C5234852, MONDO:0009053, OMIM 219150.

Allele frequency attached by ClinVar (database versions not stated): 1000 Genomes Project 0.27955; 1000 Genomes Project 30x 0.28576; TOPMed 0.38457; gnomAD 0.38617 and 0.39029; ESP Exome Variant Server 0.39328; ExAC 0.41083; gnomAD exomes 0.41886 and 0.46191.
gnomAD v4.1: 731,576 of 1,612,192 alleles (45%); highest among the groups gnomAD compares: Admixed American, 52%; 174,439 homozygotes.

Submissions (13):

Labcorp Genetics (formerly Invitae), Labcorp
Classification: Benign for Autosomal dominant spastic paraplegia type 9; de Barsy syndrome; Cutis laxa, autosomal dominant 3. Last evaluated: 2026-02-04. Review status: criteria provided, single submitter. Criteria: Invitae Variant Classification Sherloc (09022015). Collection method: clinical testing. Allele origin: germline.

Blueprint Genetics
Classification: Benign. Last evaluated: 2024-11-27. Review status: criteria provided, single submitter. Criteria: ACMG Guidelines, 2015. Collection method: clinical testing. Allele origin: germline.

Mayo Clinic Laboratories, Mayo Clinic
Classification: Benign. Last evaluated: 2021-10-14. Review status: criteria provided, single submitter. Criteria: ACMG Guidelines, 2015. Collection method: clinical testing. Allele origin: germline. Observed: 43 variant alleles.

Genome-Nilou Lab
Classification: Benign for Cutis laxa, autosomal dominant 3. Last evaluated: 2021-07-14. Review status: criteria provided, single submitter. Criteria: ACMG Guidelines, 2015. Collection method: clinical testing. Allele origin: germline. Affected: no.

Genome-Nilou Lab
Classification: Benign for ALDH18A1-related de Barsy syndrome. Last evaluated: 2021-07-14. Review status: criteria provided, single submitter. Criteria: ACMG Guidelines, 2015. Collection method: clinical testing. Allele origin: germline. Affected: no.

Genome-Nilou Lab
Classification: Benign for Hereditary spastic paraplegia 9A. Last evaluated: 2021-07-14. Review status: criteria provided, single submitter. Criteria: ACMG Guidelines, 2015. Collection method: clinical testing. Allele origin: germline. Affected: no.

Genome-Nilou Lab
Classification: Benign for Autosomal recessive complex spastic paraplegia type 9B. Last evaluated: 2021-07-14. Review status: criteria provided, single submitter. Criteria: ACMG Guidelines, 2015. Collection method: clinical testing. Allele origin: germline. Affected: no.

Illumina Laboratory Services, Illumina
Classification: Benign for ALDH18A1-related de Barsy syndrome. Last evaluated: 2018-01-13. Review status: criteria provided, single submitter. Criteria: ICSL Variant Classification Criteria 13 December 2019. Collection method: clinical testing. Allele origin: germline.
Comment: This variant was observed in the ICSL laboratory as part of a predisposition screen in an ostensibly healthy population. It had not been previously curated by ICSL or reported in the Human Gene Mutation Database (HGMD: prior to June 1st, 2018), and was therefore a candidate for classification through an automated scoring system. Utilizing variant allele frequency, disease prevalence and penetrance estimates, and inheritance mode, an automated score was calculated to assess if this variant is too frequent to cause the disease. Based on the score and internal cut-off values, a variant classified as benign is not then subjected to further curation. The score for this variant resulted in a classification of benign for this disease.

GeneDx
Classification: Benign. Last evaluated: 2016-09-29. Review status: criteria provided, single submitter. Criteria: GeneDx Variant Classification (06012015). Collection method: clinical testing. Allele origin: germline. Affected: yes.
Comment: This variant is considered likely benign or benign based on one or more of the following criteria: it is a conservative change, it occurs at a poorly conserved position in the protein, it is predicted to be benign by multiple in silico algorithms, and/or has population frequency not consistent with disease.

Breakthrough Genomics
Classification: Benign. Review status: criteria provided, single submitter. Criteria: ACMG Guidelines, 2015. Collection method: not provided. Allele origin: germline. Inheritance: Autosomal recessive inheritance. Affected: yes.

PreventionGenetics, part of Exact Sciences
Classification: Benign. Review status: criteria provided, single submitter. Criteria: ACMG Guidelines, 2015. Collection method: clinical testing. Allele origin: germline.

Genome Diagnostics Laboratory, Amsterdam University Medical Center
Classification: Benign for ALDH18A1-related de Barsy syndrome. Last evaluated: 2016-07-06. Review status: no assertion criteria provided. Criteria: ACGS Guidelines, 2013. Collection method: clinical testing. Allele origin: germline. Affected: yes. Study: VKGL Data-share Consensus. Not counted in ClinVar's aggregate classification.

Diagnostic Laboratory, Department of Genetics, University Medical Center Groningen
Classification: Benign for ALDH18A1-related de Barsy syndrome. Review status: no assertion criteria provided. Collection method: clinical testing. Allele origin: germline. Affected: yes. Study: VKGL Data-share Consensus. Not counted in ClinVar's aggregate classification.

NM_002860.4(ALDH18A1):c.2206+15G>A

Gene: ALDH18A1 (aldehyde dehydrogenase 18 family member A1; minus strand). Cytogenetic location: 10q24.1.
Variant type: single nucleotide variant.
Coding change: c.2206+15G>A on transcript NM_002860.4 (MANE Select); 15 bases into the intron after coding-DNA position 2206, G replaced by A.
Molecular consequence: intron variant.
Genome position (GRCh38, 1-based): chr10:95,610,182, C>T on the plus strand (G>A on the coding strand, the complement: ALDH18A1 is on the minus strand). VCF-style: chr10-95610182-C-T. GRCh37 (hg19) VCF-style: chr10-97369939-C-T.
Other names: p.?; c.1570+15G>A (NM_001323419.2); c.1873+15G>A (NM_001323412.2, NM_001323416.2); c.2101+15G>A (NM_001323417.2); c.2200+15G>A (NM_001017423.2, NM_001323415.2); c.1867+15G>A (NM_001323418.2); c.2206+15G>A (NM_001323413.2, NM_001323414.2).
Identifiers: ClinVar variation 258825 (VCV000258825.23), dbSNP rs10882640, ClinGen allele CA5620116.